The following is an entry in ClinVar:

NM_001128425.2(MUTYH):c.-13A>C

Genes: MUTYH (mutY DNA glycosylase; minus strand), TOE1 (target of EGR1, exonuclease; plus strand). Cytogenetic location: 1p34.1.
Variant type: single nucleotide variant.
Coding change: c.-13A>C on transcript NM_001128425.2 (MANE Plus Clinical); 13 bases upstream of the start codon, A replaced by C.
Molecular consequence: 5 prime UTR variant. On other transcripts: missense variant (1), non-coding transcript variant (3).
Genome position (GRCh38, 1-based): chr1:45,340,267, T>G on the plus strand (A>C on the coding strand, the complement: MUTYH is on the minus strand). VCF-style: chr1-45340267-T-G. GRCh37 (hg19) VCF-style: chr1-45805939-T-G.
Other names: c.15T>G, p.Ser5Arg (NM_025077.4); c.-55A>C (NM_001048171.2); c.-13A>C (NM_001293190.2, NM_001407069.1, NM_001407073.1 and 1 more transcripts); c.-267A>C (NM_001293192.2); c.-326A>C (NM_001350650.2); c.-262A>C (NM_001350651.2); c.-71A>C (NM_001407070.1, NM_001407071.1); c.-51A>C (NM_001407072.1); short protein forms S5R.
Identifiers: ClinVar variation 380353 (VCV000380353.5), dbSNP rs1057520831, ClinGen allele CA16603715.

ClinVar aggregate classification (germline): Conflicting classifications of pathogenicity. Review status: criteria provided, conflicting classifications (1 of 4 stars). 2 submissions from 2 submitters: Uncertain significance (1); Likely benign (1). Last evaluated 2019-06-30.

Conditions:
Hereditary cancer-predisposing syndrome. Also called: Neoplastic Syndromes, Hereditary; Hereditary neoplastic syndrome; Hereditary Cancer Syndrome; Tumor predisposition. Identifiers: Orphanet 140162, MedGen C0027672, MeSH D009386, MONDO:0015356.

Allele frequency attached by ClinVar (database versions not stated): gnomAD exomes below 0.00001.
gnomAD v4.1: 3 of 1,613,756 alleles (0.00019%); highest among the groups gnomAD compares: Non-Finnish European, 0.00025%; no homozygotes.

Submissions (2):

Color Diagnostics, LLC DBA Color Health
Classification: Uncertain significance for Hereditary cancer-predisposing syndrome. Last evaluated: 2019-06-30. Review status: criteria provided, single submitter. Criteria: ACMG Guidelines, 2015. Collection method: clinical testing. Allele origin: germline.

GeneDx
Classification: Likely benign. Last evaluated: 2016-05-27. Review status: criteria provided, single submitter. Criteria: GeneDx Variant Classification (06012015). Collection method: clinical testing. Allele origin: germline. Affected: yes.
Comment: This variant is considered likely benign or benign based on one or more of the following criteria: it is a conservative change, it occurs at a poorly conserved position in the protein, it is predicted to be benign by multiple in silico algorithms, and/or has population frequency not consistent with disease.